The following is an entry in ClinVar:

NM_004999.4(MYO6):c.1772C>T (p.Thr591Ile)

Gene: MYO6 (myosin VI; plus strand). Cytogenetic location: 6q14.1.
Variant type: single nucleotide variant.
Coding change: c.1772C>T on transcript NM_004999.4 (MANE Select); coding-DNA position 1772, C replaced by T.
Protein change: p.Thr591Ile; replaces threonine 591 with isoleucine.
Molecular consequence: missense variant. On other transcripts: non-coding transcript variant (1).
Genome position (GRCh38, 1-based): chr6:75,866,933, C>T. VCF-style: chr6-75866933-C-T. GRCh37 (hg19) VCF-style: chr6-76576650-C-T.
Other names: c.1772C>T, p.Thr591Ile (NM_001300899.2, NM_001368136.1, NM_001368137.1 and 2 more transcripts); c.1757C>T, p.Thr586Ile (NM_001368138.1); short protein forms T586I, T591I.
Identifiers: ClinVar variation 2628977 (VCV002628977.2), dbSNP rs376474134, ClinGen allele CA3897219.

ClinVar aggregate classification (germline): Uncertain significance (1 of 4 stars; one submission).

Conditions:
MYO6-related disorder. Also called: MYO6-related disorders; MYO6-related condition.

Allele frequency attached by ClinVar (database versions not stated): ExAC 0.00004; TOPMed 0.00004; gnomAD 0.00006; gnomAD exomes 0.00006; ESP Exome Variant Server 0.00008.
gnomAD v4.1: 102 of 1,613,506 alleles (0.0063%); highest among the groups gnomAD compares: Non-Finnish European, 0.0077%; no homozygotes.

Submission:

PreventionGenetics, part of Exact Sciences
Classification: Uncertain significance for MYO6-related condition. Last evaluated: 2026-07-28. Review status: criteria provided, single submitter. Criteria: ACMG Guidelines, 2015. Collection method: clinical testing. Allele origin: germline.
Comment: The MYO6 c.1772C>T variant is predicted to result in the amino acid substitution p.Thr591Ile. To our knowledge, this variant has not been reported in the literature. This variant is reported in 0.0070% of alleles in individuals of European (Non-Finnish) descent in gnomAD. In gnomAD v4 (available only on GRCh38), this variant is reported in 102 alleles globally, which may be too common for a highly penetrant pathogenic variant in autosomal dominant disorder. At this time, the clinical significance of this variant is uncertain due to the absence of conclusive functional and genetic evidence.